The following is an entry in ClinVar:

NM_007294.4(BRCA1):c.224A>G (p.Glu75Gly)

Gene: BRCA1 (BRCA1 DNA repair associated; minus strand). Cytogenetic location: 17q21.31.
Variant type: single nucleotide variant.
Coding change: c.224A>G on transcript NM_007294.4 (MANE Select); coding-DNA position 224, A replaced by G.
Protein change: p.Glu75Gly; replaces glutamic acid 75 with glycine.
Molecular consequence: missense variant. On other transcripts: non-coding transcript variant (1).
Genome position (GRCh38, 1-based): chr17:43,104,945, T>C on the plus strand (A>G on the coding strand, the complement: BRCA1 is on the minus strand). VCF-style: chr17-43104945-T-C. GRCh37 (hg19) VCF-style: chr17-41256962-T-C.
Other names: c.224A>G, p.Glu75Gly (NM_001408433.1, NM_001408434.1, NM_001408435.1 and 168 more transcripts); c.92A>G, p.Glu31Gly (NM_001408451.1); c.83A>G, p.Glu28Gly (NM_001408452.1, NM_001408453.1, NM_001408454.1 and 99 more transcripts); c.146A>G, p.Glu49Gly (NM_001408474.1, NM_001408475.1, NM_001408476.1 and 21 more transcripts); c.14A>G, p.Glu5Gly (NM_001408478.1, NM_001408479.1, NM_001408480.1 and 58 more transcripts); c.-158A>G (NM_001407959.1, NM_001407960.1, NM_001407962.1 and 4 more transcripts); short protein forms E75G, E28G, E49G, E31G, E5G.
Identifiers: ClinVar variation 867360 (VCV000867360.3), dbSNP rs2054695923, ClinGen allele CA10601714.
Genomic context (GRCh38, chr17:43,104,945, plus strand): 5'-AGCTGAAAAGCACAAATGATTTTCAATAGCTCTTCAACAAGTTGACTAAATCTCGTACTT[T>C]CTTGTAGGCTCCTGAAATTAAATTGTTTGAGAAACACACTCAGCAAGTGATTATCAACCT-3'
Protein context (NP_009225.1, residues 65-85): KNDITKRSLQ[Glu75Gly]STRFSQLVEE

Conditions:
Breast-ovarian cancer, familial, susceptibility to, 1 (BROVCA1). Also called: BRCA1 Hereditary Breast and Ovarian Cancer; OVARIAN CANCER, SUSCEPTIBILITY TO. Identifiers: Orphanet 145, MedGen C2676676, MONDO:0011450, OMIM 604370. Disease mechanism: loss of function.

Submission:

Brotman Baty Institute, University of Washington
No classification provided (evidence only). Condition: Breast-ovarian cancer, familial 1. Review status: no classification provided. Collection method: in vitro. Allele origin: not applicable. Functional consequence: functionally_normal.
ClinVar note: "not provided" was previously submitted as the classification for the variant. However, the classification appeared to be based only on an observation of functional data so it was converted to no classification on 2025-07-30.